The following is an entry in ClinVar:

ClinVar aggregate classification (germline): Pathogenic (1 of 4 stars; one submission).

Conditions:
BCS1L-related disorder. Also called: BCS1L-related disorders; BCS1L-related condition. Identifiers: MedGen CN239240.

Submission:

Myriad Genetics, Inc.
Classification: Pathogenic for BCS1L-related disorder. Last evaluated: 2026-03-13. Review status: criteria provided, single submitter. Criteria: Myriad Autosomal Dominant, Autosomal Recessive and X-Linked Classification Criteria (2023). Collection method: clinical testing. Allele origin: unknown.
Comment: NM_004328.4(BCS1L):c.1077G>A(W359*) is a nonsense variant classified as pathogenic in the context of BCS1L-related disorders. W359* has not been observed in cases with relevant disease. Relevant functional assessments of this variant are not available in the literature. W359* has not been observed in referenced population frequency databases. In summary, NM_004328.4(BCS1L):c.1077G>A(W359*) is a nonsense variant in a gene where loss of function is a known mechanism of disease and is predicted to disrupt protein function. Please note: this variant was assessed in the context of healthy population screening.

NM_001079866.2(BCS1L):c.1077G>A (p.Trp359Ter)

Gene: BCS1L (BCS1 ubiquinol-cytochrome c reductase complex chaperone; plus strand). Cytogenetic location: 2q35.
Variant type: single nucleotide variant.
Coding change: c.1077G>A on transcript NM_001079866.2 (MANE Select); coding-DNA position 1077, G replaced by A.
Protein change: p.Trp359Ter; replaces tryptophan 359 with a stop codon.
Molecular consequence: nonsense. On other transcripts: non-coding transcript variant (1).
Genome position (GRCh38, 1-based): chr2:218,663,203, G>A. VCF-style: chr2-218663203-G-A. GRCh37 (hg19) VCF-style: chr2-219527926-G-A.
Other names: c.1077G>A, p.Trp359Ter (NM_001257342.2, NM_001257343.2, NM_001257344.2 and 10 more transcripts); c.717G>A, p.Trp239Ter (NM_001318836.2, NM_001371451.1); c.576G>A, p.Trp192Ter (NM_001371452.1, NM_001371453.1, NM_001371454.1 and 3 more transcripts); short protein forms W192*, W359*, W239*.
Identifiers: ClinVar variation 5003711 (VCV005003711.1).